The following is an entry in ClinVar:

NM_000219.6(KCNE1):c.126G>C (p.Leu42=)

Gene: KCNE1 (potassium voltage-gated channel subfamily E regulatory subunit 1; minus strand). Cytogenetic location: 21q22.12.
Variant type: single nucleotide variant.
Coding change: c.126G>C on transcript NM_000219.6 (MANE Select); coding-DNA position 126, G replaced by C.
Protein change: p.Leu42=; no amino-acid change (leucine 42 retained).
Molecular consequence: synonymous variant.
Genome position (GRCh38, 1-based): chr21:34,449,509, C>G on the plus strand (G>C on the coding strand, the complement: KCNE1 is on the minus strand). VCF-style: chr21-34449509-C-G. GRCh37 (hg19) VCF-style: chr21-35821807-C-G.
Other names: c.126G>C, p.Leu42= (NM_001127668.4, NM_001127669.4, NM_001127670.4 and 4 more transcripts).
Identifiers: ClinVar variation 3374113 (VCV003374113.2).

Conditions:
Long QT syndrome 5 (LQT5). Identifiers: Orphanet 101016, Orphanet 768, MedGen C1867904, MONDO:0013372, OMIM 613695.

Submission:

Roden Lab, Vanderbilt University Medical Center
No classification provided (evidence only). Condition: Long QT syndrome 5. Review status: no classification provided. Collection method: in vitro. Allele origin: not applicable. Functional consequence: Effect on ion channel function.
ClinVar note: "not provided" was previously submitted as the classification for the variant. However, the classification appeared to be based only on an observation of functional data so it was converted to no classification on 2025-07-30.